The following is an entry in ClinVar:

NM_177550.5(SLC13A5):c.1628C>A (p.Ala543Asp)

Gene: SLC13A5 (solute carrier family 13 member 5; minus strand). Cytogenetic location: 17p13.1.
Variant type: single nucleotide variant.
Coding change: c.1628C>A on transcript NM_177550.5 (MANE Select); coding-DNA position 1628, C replaced by A.
Protein change: p.Ala543Asp; replaces alanine 543 with aspartic acid.
Molecular consequence: missense variant.
Genome position (GRCh38, 1-based): chr17:6,686,286, G>T on the plus strand (C>A on the coding strand, the complement: SLC13A5 is on the minus strand). VCF-style: chr17-6686286-G-T. GRCh37 (hg19) VCF-style: chr17-6589605-G-T.
Other names: c.1490C>A, p.Ala497Asp (NM_001143838.3); c.1577C>A, p.Ala526Asp (NM_001284509.2); c.1499C>A, p.Ala500Asp (NM_001284510.2); c.1628C>A (NM_177550.3); short protein forms A543D, A497D, A500D, A526D.
Identifiers: ClinVar variation 541967 (VCV000541967.7), dbSNP rs202208840, ClinGen allele CA8331306.

ClinVar aggregate classification (germline): Uncertain significance. Review status: criteria provided, multiple submitters, no conflicts (2 of 4 stars). 2 submissions from 2 submitters: Uncertain significance (2). Last evaluated 2025-07-02.

Conditions:
Developmental and epileptic encephalopathy, 25 (DEE25). Also called: Developmental and epileptic encephalopathy 25, with amelogenesis imperfecta; Epileptic encephalopathy, early infantile, 25, with amelogenesis imperfecta; Epileptic encephalopathy, early infantile, 25. Identifiers: Orphanet 442835, MedGen C4014621, MONDO:0014392, OMIM 615905.
Inborn genetic diseases. Identifiers: MedGen C0950123, MeSH D030342.

Allele frequency attached by ClinVar (database versions not stated): ExAC 0.00002; gnomAD 0.00002; gnomAD exomes 0.00002; TOPMed 0.00002.
gnomAD v4.1: 13 of 1,614,066 alleles (0.00081%); highest among the groups gnomAD compares: Admixed American, 0.0033%; no homozygotes.

Submissions (2):

Ambry Genetics
Classification: Uncertain significance for Inborn genetic diseases. Last evaluated: 2025-07-02. Review status: criteria provided, single submitter. Criteria: Ambry Variant Classification Scheme 2023. Collection method: clinical testing. Allele origin: germline.

Labcorp Genetics (formerly Invitae), Labcorp
Classification: Uncertain significance for Developmental and epileptic encephalopathy, 25. Last evaluated: 2022-07-01. Review status: criteria provided, single submitter. Criteria: Invitae Variant Classification Sherloc (09022015). Collection method: clinical testing. Allele origin: germline.
Comment: This sequence change replaces alanine, which is neutral and non-polar, with aspartic acid, which is acidic and polar, at codon 543 of the SLC13A5 protein (p.Ala543Asp). This variant is present in population databases (rs202208840, gnomAD 0.03%). This variant has not been reported in the literature in individuals affected with SLC13A5-related conditions. ClinVar contains an entry for this variant (Variation ID: 541967). Algorithms developed to predict the effect of missense changes on protein structure and function are either unavailable or do not agree on the potential impact of this missense change (SIFT: "Tolerated"; PolyPhen-2: "Possibly Damaging"; Align-GVGD: "Class C0"). In summary, the available evidence is currently insufficient to determine the role of this variant in disease. Therefore, it has been classified as a Variant of Uncertain Significance.